The following is an entry in ClinVar:

ClinVar aggregate classification (germline): Pathogenic (1 of 4 stars; one submission).

Conditions:
Andersen Tawil syndrome (LQT7). Also called: PERIODIC PARALYSIS, POTASSIUM-SENSITIVE CARDIODYSRHYTHMIC TYPE; Potassium-sensitive periodic paralysis, ventricular ectopy, and dysmorphic features; Andersen Syndrome; ANDERSEN CARDIODYSRHYTHMIC PERIODIC PARALYSIS; LONG QT SYNDROME 7. Identifiers: Orphanet 37553, MedGen C1563715, MONDO:0008222, OMIM 170390.
Short QT syndrome type 3. Identifiers: Orphanet 51083, MedGen C1865018, MONDO:0012314, OMIM 609622.

Submission:

Labcorp Genetics (formerly Invitae), Labcorp
Classification: Pathogenic for Short QT syndrome type 3; Andersen Tawil syndrome. Last evaluated: 2023-06-04. Review status: criteria provided, single submitter. Criteria: Invitae Variant Classification Sherloc (09022015). Collection method: clinical testing. Allele origin: germline.
Comment: For these reasons, this variant has been classified as Pathogenic. This variant disrupts the p.Asp78 amino acid residue in KCNJ2. Other variant(s) that disrupt this residue have been determined to be pathogenic (PMID: 16419128, 17568571). This suggests that this residue is clinically significant, and that variants that disrupt this residue are likely to be disease-causing. Advanced modeling of protein sequence and biophysical properties (such as structural, functional, and spatial information, amino acid conservation, physicochemical variation, residue mobility, and thermodynamic stability) performed at Invitae indicates that this missense variant is expected to disrupt KCNJ2 protein function. ClinVar contains an entry for this variant (Variation ID: 2036326). This missense change has been observed in individual(s) with clinical features of Andersen-Tawil syndrome (Invitae). In at least one individual the variant was observed to be de novo. This variant is not present in population databases (gnomAD no frequency). This sequence change replaces aspartic acid, which is acidic and polar, with asparagine, which is neutral and polar, at codon 78 of the KCNJ2 protein (p.Asp78Asn).

Literature cited by the submitters: PubMed 16419128; PubMed 17568571.

NM_000891.3(KCNJ2):c.232G>A (p.Asp78Asn)

Gene: KCNJ2 (potassium inwardly rectifying channel subfamily J member 2; plus strand). Cytogenetic location: 17q24.3.
Variant type: single nucleotide variant.
Coding change: c.232G>A on transcript NM_000891.3 (MANE Select); coding-DNA position 232, G replaced by A.
Protein change: p.Asp78Asn; replaces aspartic acid 78 with asparagine.
Molecular consequence: missense variant.
Genome position (GRCh38, 1-based): chr17:70,175,271, G>A. VCF-style: chr17-70175271-G-A. GRCh37 (hg19) VCF-style: chr17-68171412-G-A.
Other names: short protein forms D78N.
Identifiers: ClinVar variation 2036326 (VCV002036326.4), dbSNP rs199473372, ClinGen allele CA400860152.